The following is an entry in ClinVar:

NM_001267550.2(TTN):c.21795G>T (p.Lys7265Asn)

Gene: TTN (titin; minus strand). Cytogenetic location: 2q31.2.
Variant type: single nucleotide variant.
Coding change: c.21795G>T on transcript NM_001267550.2 (MANE Select); coding-DNA position 21795, G replaced by T.
Protein change: p.Lys7265Asn; replaces lysine 7265 with asparagine.
Molecular consequence: missense variant. On other transcripts: intron variant (3).
Genome position (GRCh38, 1-based): chr2:178,723,212, C>A on the plus strand (G>T on the coding strand, the complement: TTN is on the minus strand). VCF-style: chr2-178723212-C-A. GRCh37 (hg19) VCF-style: chr2-179587939-C-A.
Other names: c.20844G>T, p.Lys6948Asn (NM_001256850.1); c.18063G>T, p.Lys6021Asn (NM_133378.4); c.13282+14870G>T (NM_003319.4); c.13858+14870G>T (NM_133437.4); c.13657+14870G>T (NM_133432.3); short protein forms K6021N, K6948N, K7265N.
Identifiers: ClinVar variation 4080935 (VCV004080935.2).

ClinVar aggregate classification (germline): Uncertain significance. Review status: criteria provided, multiple submitters, no conflicts (2 of 4 stars). 2 submissions from 2 submitters: Uncertain significance (2). Last evaluated 2025-07-09.

Submissions (2):

Women's Health and Genetics/Laboratory Corporation of America, LabCorp
Classification: Uncertain significance. Last evaluated: 2025-07-09. Review status: criteria provided, single submitter. Criteria: LabCorp Variant Classification Summary - May 2015. Collection method: clinical testing. Allele origin: germline.
Comment: Variant summary: TTN c.18063G>T (p.Lys6021Asn) results in a non-conservative amino acid change in the encoded protein sequence. Algorithms developed to predict the effect of missense changes on protein structure and function are either unavailable or do not agree on the potential impact of this missense change. The variant was absent in 247896 control chromosomes. The available data on variant occurrences in the general population are insufficient to allow any conclusion about variant significance. To our knowledge, no occurrence of c.18063G>T in individuals affected with Dilated Cardiomyopathy and no experimental evidence demonstrating its impact on protein function have been reported. No submitters have cited clinical-significance assessments for this variant to ClinVar. Based on the evidence outlined above, the variant was classified as uncertain significance.

Revvity Omics, Revvity
Classification: Uncertain significance. Last evaluated: 2024-12-27. Review status: criteria provided, single submitter. Criteria: ACMG Guidelines, 2015. Collection method: clinical testing. Allele origin: germline.